The following is an entry in ClinVar:

NM_004360.5(CDH1):c.946_947del (p.Met316fs)

Gene: CDH1 (cadherin 1; plus strand). Cytogenetic location: 16q22.1.
Variant type: Microsatellite.
Coding change: c.946_947del on transcript NM_004360.5 (MANE Select); coding-DNA positions 946 to 947, 2 bases deleted (AT; older notation c.946_947delAT).
Protein change: p.Met316fs; shifts the reading frame from methionine 316.
Molecular consequence: frameshift variant. On other transcripts: 5 prime UTR variant (2).
Genome position (GRCh38, 1-based): chr16:68,811,797-68,811,798, AT deleted; deleting any 2 consecutive bases within chr16:68,811,795-68,811,798 gives the same sequence; the c. name uses the placement nearest the transcript's 3' end. VCF-style (leftmost placement, unchanged base first): chr16-68811794-AAT-A. GRCh37 (hg19) VCF-style: chr16-68845697-AAT-A.
Other names: c.946_947del, p.Met316fs (NM_001317184.2); c.-672AT[1] (NM_001317185.2); c.-876AT[1] (NM_001317186.2); short protein forms M316fs.
Identifiers: ClinVar variation 4726526 (VCV004726526.1).

ClinVar aggregate classification (germline): Pathogenic (1 of 4 stars; one submission).

Conditions:
Hereditary diffuse gastric adenocarcinoma (HDGC). Also called: DIFFUSE GASTRIC AND LOBULAR BREAST CANCER SYNDROME. Identifiers: Orphanet 26106, MedGen C1708349, MONDO:0007648, OMIM 137215.

Submission:

Labcorp Genetics (formerly Invitae), Labcorp
Classification: Pathogenic for Hereditary diffuse gastric adenocarcinoma. Last evaluated: 2025-09-04. Review status: criteria provided, single submitter. Criteria: Invitae Variant Classification Sherloc (09022015). Collection method: clinical testing. Allele origin: germline.
Comment: This sequence change creates a premature translational stop signal (p.Met316Valfs*4) in the CDH1 gene. It is expected to result in an absent or disrupted protein product. Loss-of-function variants in CDH1 are known to be pathogenic (PMID: 15235021, 20373070). This variant is not present in population databases (gnomAD no frequency). This variant has not been reported in the literature in individuals affected with CDH1-related conditions. For these reasons, this variant has been classified as Pathogenic.

Literature cited by the submitters: PubMed 15235021; PubMed 20373070.